The following is an entry in ClinVar:

NM_000424.4(KRT5):c.591_594delinsAACA (p.Asp197Glu)

Genes: KRT5 (keratin 5; minus strand), LOC126861526 (BRD4-independent group 4 enhancer GRCh37_chr12:52912066-52913265; plus strand). Cytogenetic location: 12q13.13.
Variant type: Indel.
Coding change: c.591_594delinsAACA on transcript NM_000424.4 (MANE Select); coding-DNA positions 591 to 594, CACC replaced by AACA.
Protein change: p.Asp197Glu; replaces aspartic acid 197 with glutamic acid.
Molecular consequence: missense variant.
Genome position (GRCh38, 1-based): chr12:52,519,122-52,519,125, GGTG replaced by TGTT on the plus strand (CACC replaced by AACA on the coding strand, the reverse complement: KRT5 is on the minus strand). VCF-style: chr12-52519122-GGTG-TGTT. GRCh37 (hg19) VCF-style: chr12-52912906-GGTG-TGTT.
Other names: short protein forms D197E.
Identifiers: ClinVar variation 4526404 (VCV004526404.1).

ClinVar aggregate classification (germline): Likely benign (1 of 4 stars; one submission).

Conditions:
Epidermolysis bullosa simplex 1A, generalized severe (EBS1A). Also called: Epidermolysis bullosa simplex Dowling-Meara type. Identifiers: Orphanet 79396, MedGen C0079295, MONDO:0007550, OMIM 131760.

Submission:

Centro de Genética y Biología Molecular, Universidad de San Martín de Porres
Classification: Likely benign for Epidermolysis bullosa simplex 1A, generalized severe. Last evaluated: 2025-01-20. Review status: criteria provided, single submitter. Criteria: ACMG Guidelines, 2015. Collection method: research. Allele origin: unknown. Inheritance: Autosomal dominant inheritance. Affected: yes.
Comment: This variant appears on the site of rs641621, but involves a deletion and insertion (NM_000424.3:c.591_594delinsAACA) leading to a change of aminoacid Asp197 to Glu in exon 2/9 of the KRT5 gene. Substitution of Aspartic acid to Glutamic acid, is unlikely to destablize the protein.